The following is an entry in ClinVar:

ClinVar aggregate classification (germline): Uncertain significance (1 of 4 stars; one submission).

Conditions:
ANKRD1-related dilated cardiomyopathy. Identifiers: MedGen CN119551.

Submission:

Labcorp Genetics (formerly Invitae), Labcorp
Classification: Uncertain significance for ANKRD1-related dilated cardiomyopathy. Last evaluated: 2025-12-31. Review status: criteria provided, single submitter. Criteria: Invitae Variant Classification Sherloc (09022015). Collection method: clinical testing. Allele origin: germline.
Comment: This sequence change falls in intron 2 of the ANKRD1 gene. It does not directly change the encoded amino acid sequence of the ANKRD1 protein. It affects a nucleotide within the consensus splice site. This variant is not present in population databases (gnomAD no frequency). This variant has not been reported in the literature in individuals affected with ANKRD1-related conditions. Variants that disrupt the consensus splice site are a relatively common cause of aberrant splicing (PMID: 17576681, 9536098). Algorithms developed to predict the effect of sequence changes on RNA splicing suggest that this variant is not likely to affect RNA splicing. In summary, the available evidence is currently insufficient to determine the role of this variant in disease. Therefore, it has been classified as a Variant of Uncertain Significance.

Literature cited by the submitters: PubMed 17576681; PubMed 9536098.

NM_014391.3(ANKRD1):c.207+5G>A

Gene: ANKRD1 (ankyrin repeat domain 1; minus strand). Cytogenetic location: 10q23.31.
Variant type: single nucleotide variant.
Coding change: c.207+5G>A on transcript NM_014391.3 (MANE Select); 5 bases into the intron after coding-DNA position 207, G replaced by A.
Molecular consequence: intron variant.
Genome position (GRCh38, 1-based): chr10:90,920,164, C>T on the plus strand (G>A on the coding strand, the complement: ANKRD1 is on the minus strand). VCF-style: chr10-90920164-C-T. GRCh37 (hg19) VCF-style: chr10-92679921-C-T.
Identifiers: ClinVar variation 4734494 (VCV004734494.1).